The following is an entry in ClinVar:

NM_030665.4(RAI1):c.2182T>C (p.Cys728Arg)

Gene: RAI1 (retinoic acid induced 1; plus strand). Cytogenetic location: 17p11.2.
Variant type: single nucleotide variant.
Coding change: c.2182T>C on transcript NM_030665.4 (MANE Select); coding-DNA position 2182, T replaced by C.
Protein change: p.Cys728Arg; replaces cysteine 728 with arginine.
Molecular consequence: missense variant.
Genome position (GRCh38, 1-based): chr17:17,795,130, T>C. VCF-style: chr17-17795130-T-C. GRCh37 (hg19) VCF-style: chr17-17698444-T-C.
Other names: c.2182T>C (NM_030665.3); short protein forms C728R.
Identifiers: ClinVar variation 1366765 (VCV001366765.9), dbSNP rs770814023, ClinGen allele CA8418478.
Genomic context (GRCh38, chr17:17,795,130, plus strand): 5'-TTTGGTACCAAGCCCACCCTTGGGGTTCCTGCTCCAGACCCCACTACAGCAGCTTTTGAC[T>C]GTTTCCCGGACACAACCGCTGCCAGCTCAGCGGACAGCGCCAACCCCTTTGCCTGGCCAG-3'
Protein context (NP_109590.3, residues 718-738): APDPTTAAFD[Cys728Arg]FPDTTAASSA

ClinVar aggregate classification (germline): Uncertain significance. Review status: criteria provided, multiple submitters, no conflicts (2 of 4 stars). 2 submissions from 2 submitters: Uncertain significance (2). Last evaluated 2023-01-17.

Conditions:
Inborn genetic diseases. Identifiers: MedGen C0950123, MeSH D030342.

Allele frequency attached by ClinVar (database versions not stated): gnomAD exomes below 0.00001 and 0.00001; TOPMed below 0.00001; ExAC 0.00001; gnomAD 0.00001.
gnomAD v4.1: 4 of 1,613,916 alleles (0.00025%); highest among the groups gnomAD compares: Non-Finnish European, 0.00034%; no homozygotes.

Submissions (2):

Ambry Genetics
Classification: Uncertain significance for Inborn genetic diseases. Last evaluated: 2023-01-17. Review status: criteria provided, single submitter. Criteria: Ambry Variant Classification Scheme 2023. Collection method: clinical testing. Allele origin: germline.

Labcorp Genetics (formerly Invitae), Labcorp
Classification: Uncertain significance. Last evaluated: 2022-07-26. Review status: criteria provided, single submitter. Criteria: Invitae Variant Classification Sherloc (09022015). Collection method: clinical testing. Allele origin: germline.
Comment: This sequence change replaces cysteine, which is neutral and slightly polar, with arginine, which is basic and polar, at codon 728 of the RAI1 protein (p.Cys728Arg). This variant is present in population databases (rs770814023, gnomAD 0.0009%). This variant has not been reported in the literature in individuals affected with RAI1-related conditions. ClinVar contains an entry for this variant (Variation ID: 1366765). Algorithms developed to predict the effect of missense changes on protein structure and function are either unavailable or do not agree on the potential impact of this missense change (SIFT: "Deleterious"; PolyPhen-2: "Probably Damaging"; Align-GVGD: "Class C15"). In summary, the available evidence is currently insufficient to determine the role of this variant in disease. Therefore, it has been classified as a Variant of Uncertain Significance.